The following is an entry in ClinVar:

ClinVar aggregate classification (germline): Likely benign. Review status: criteria provided, single submitter (1 of 4 stars). 2 submissions from 2 submitters: Likely benign (1). 1 of the submissions does not count toward it. Last evaluated 2023-10-05.

Conditions:
PKD1L1-related disorder. Also called: PKD1L1-related condition.

Allele frequency attached by ClinVar (database versions not stated): TOPMed below 0.00001; gnomAD 0.00001.
gnomAD v4.1: 33 of 1,613,986 alleles (0.002%); highest among the groups gnomAD compares: Admixed American, 0.0033%; no homozygotes.

Submissions (2):

Labcorp Genetics (formerly Invitae), Labcorp
Classification: Likely benign. Last evaluated: 2023-10-05. Review status: criteria provided, single submitter. Criteria: Invitae Variant Classification Sherloc (09022015). Collection method: clinical testing. Allele origin: germline.

PreventionGenetics, part of Exact Sciences
Classification: Likely benign for PKD1L1-related condition. Last evaluated: 2023-02-08. Review status: no assertion criteria provided. Collection method: clinical testing. Allele origin: germline. Not counted in ClinVar's aggregate classification.
Comment: This variant is classified as likely benign based on ACMG/AMP sequence variant interpretation guidelines (Richards et al. 2015 PMID: 25741868, with internal and published modifications).

NM_138295.5(PKD1L1):c.8460C>T (p.Asn2820=)

Gene: PKD1L1 (polycystin 1 like 1, transient receptor potential channel interacting; minus strand). Cytogenetic location: 7p12.3.
Variant type: single nucleotide variant.
Coding change: c.8460C>T on transcript NM_138295.5 (MANE Select); coding-DNA position 8460, C replaced by T.
Protein change: p.Asn2820=; no amino-acid change (asparagine 2820 retained).
Molecular consequence: synonymous variant.
Genome position (GRCh38, 1-based): chr7:47,792,693, G>A on the plus strand (C>T on the coding strand, the complement: PKD1L1 is on the minus strand). VCF-style: chr7-47792693-G-A. GRCh37 (hg19) VCF-style: chr7-47832291-G-A.
Other names: c.8460C>T (NM_138295.3).
Identifiers: ClinVar variation 1922086 (VCV001922086.7), dbSNP rs750489277, ClinGen allele CA4251717.